The following is an entry in ClinVar:

ClinVar aggregate classification (germline): Uncertain significance (1 of 4 stars; one submission).

Conditions:
Epidermolysis bullosa simplex 3, localized or generalized intermediate, with BP230 deficiency (EBS3). Also called: Epidermolysis bullosa simplex, autosomal recessive 2; Epidermolysis bullosa simplex due to BP230 deficiency. Identifiers: Orphanet 412181, MedGen C3809470, MONDO:0014180, OMIM 615425.
Hereditary sensory and autonomic neuropathy type 6. Also called: HSAN VI; Neuropathy, hereditary sensory and autonomic, type VI. Identifiers: Orphanet 314381, MedGen C3539003, MONDO:0013839, OMIM 614653.

Allele frequency attached by ClinVar (database versions not stated): TOPMed below 0.00001.

Submission:

Labcorp Genetics (formerly Invitae), Labcorp
Classification: Uncertain significance for Epidermolysis bullosa simplex 3, localized or generalized intermediate, with BP230 deficiency; Hereditary sensory and autonomic neuropathy type 6. Last evaluated: 2022-09-03. Review status: criteria provided, single submitter. Criteria: Invitae Variant Classification Sherloc (09022015). Collection method: clinical testing. Allele origin: germline.
Comment: In summary, the available evidence is currently insufficient to determine the role of this variant in disease. Therefore, it has been classified as a Variant of Uncertain Significance. Experimental studies and prediction algorithms are not available or were not evaluated, and the functional significance of this variant is currently unknown. This variant has not been reported in the literature in individuals affected with DST-related conditions. This variant is not present in population databases (gnomAD no frequency). This sequence change replaces glycine, which is neutral and non-polar, with serine, which is neutral and polar, at codon 4957 of the DST protein (p.Gly4957Ser). The DST gene has multiple clinically relevant transcripts. This variant occurs in alternate transcript NM_015548.4, and corresponds to NM_001723.5:c.*151803G>A in the primary transcript.

NM_001374736.1(DST):c.22810G>A (p.Gly7604Ser)

Gene: DST (dystonin; minus strand). Cytogenetic location: 6p12.1.
Variant type: single nucleotide variant.
Coding change: c.22810G>A on transcript NM_001374736.1 (MANE Select); coding-DNA position 22810, G replaced by A.
Protein change: p.Gly7604Ser; replaces glycine 7604 with serine.
Molecular consequence: missense variant.
Genome position (GRCh38, 1-based): chr6:56,463,714, C>T on the plus strand (G>A on the coding strand, the complement: DST is on the minus strand). VCF-style: chr6-56463714-C-T. GRCh37 (hg19) VCF-style: chr6-56328512-C-T.
Other names: c.16381G>A, p.Gly5461Ser (NM_001144769.5); c.15967G>A, p.Gly5323Ser (NM_001144770.2); c.22738G>A, p.Gly7580Ser (NM_001374722.1); c.21850G>A, p.Gly7284Ser (NM_001374729.1); c.15592G>A, p.Gly5198Ser (NM_001374730.1); c.22765G>A, p.Gly7589Ser (NM_001374734.1); c.15829G>A, p.Gly5277Ser (NM_001386100.1); c.14869G>A, p.Gly4957Ser (NM_015548.5); and 1 more; short protein forms G5198S, G5283S, G5323S, G5461S, G7284S, G5277S, G7589S, G7604S.
Identifiers: ClinVar variation 2014171 (VCV002014171.2), dbSNP rs2094447479, ClinGen allele CA364505003.